The following is an entry in ClinVar:

NM_032119.4(ADGRV1):c.11726C>T (p.Pro3909Leu)

Gene: ADGRV1 (adhesion G protein-coupled receptor V1; plus strand). Cytogenetic location: 5q14.3.
Variant type: single nucleotide variant.
Coding change: c.11726C>T on transcript NM_032119.4 (MANE Select); coding-DNA position 11726, C replaced by T.
Protein change: p.Pro3909Leu; replaces proline 3909 with leucine.
Molecular consequence: missense variant. On other transcripts: non-coding transcript variant (1).
Genome position (GRCh38, 1-based): chr5:90,756,599, C>T. VCF-style: chr5-90756599-C-T. GRCh37 (hg19) VCF-style: chr5-90052416-C-T.
Other names: short protein forms P3909L.
Identifiers: ClinVar variation 2128572 (VCV002128572.4), dbSNP rs770004597, ClinGen allele CA3341030.

ClinVar aggregate classification (germline): Uncertain significance (1 of 4 stars; one submission).

gnomAD v4.1: 2 of 1,613,444 alleles (0.00012%); highest among the groups gnomAD compares: Admixed American, 0.0033%; no homozygotes.

Submission:

Labcorp Genetics (formerly Invitae), Labcorp
Classification: Uncertain significance. Last evaluated: 2022-10-24. Review status: criteria provided, single submitter. Criteria: Invitae Variant Classification Sherloc (09022015). Collection method: clinical testing. Allele origin: germline.
Comment: This variant has not been reported in the literature in individuals affected with ADGRV1-related conditions. This variant is present in population databases (rs770004597, gnomAD 0.003%). This sequence change replaces proline, which is neutral and non-polar, with leucine, which is neutral and non-polar, at codon 3909 of the ADGRV1 protein (p.Pro3909Leu). Advanced modeling of protein sequence and biophysical properties (such as structural, functional, and spatial information, amino acid conservation, physicochemical variation, residue mobility, and thermodynamic stability) performed at Invitae indicates that this missense variant is not expected to disrupt ADGRV1 protein function. In summary, the available evidence is currently insufficient to determine the role of this variant in disease. Therefore, it has been classified as a Variant of Uncertain Significance.